The following is an entry in ClinVar:

ClinVar aggregate classification (germline): Uncertain significance. Review status: criteria provided, multiple submitters, no conflicts (2 of 4 stars). 3 submissions from 3 submitters: Uncertain significance (3). Last evaluated 2024-05-14.

Conditions:
Hereditary cancer-predisposing syndrome. Also called: Neoplastic Syndromes, Hereditary; Tumor predisposition; Hereditary Cancer Syndrome; Hereditary neoplastic syndrome. Identifiers: Orphanet 140162, MedGen C0027672, MeSH D009386, MONDO:0015356.
Tuberous sclerosis syndrome (TSC). Also called: Tuberous Sclerosis Complex; Tuberous sclerosis. Identifiers: Orphanet 805, MedGen C0041341, MONDO:0001734.
Tuberous sclerosis 2 (TSC2). Identifiers: Orphanet 805, MedGen C1860707, MONDO:0013199, OMIM 613254.

Allele frequency attached by ClinVar (database versions not stated): gnomAD exomes below 0.00001; ESP Exome Variant Server 0.00008.

Submissions (3):

All of Us Research Program, National Institutes of Health
Classification: Uncertain significance for Tuberous sclerosis syndrome. Last evaluated: 2024-05-14. Review status: criteria provided, single submitter. Criteria: ACMG Guidelines, 2015. Collection method: clinical testing. Allele origin: germline. Inheritance: Autosomal dominant inheritance. Observed: 1 variant allele, 1 heterozygote.
Comment: This missense variant replaces glutamic acid with lysine at codon 287 of the TSC2 protein. Computational prediction suggests that this variant may not impact protein structure and function (internally defined REVEL score threshold <= 0.5, PMID: 27666373). To our knowledge, functional studies have not been reported for this variant. This variant has not been reported in individuals affected with TSC2-related disorders in the literature. This variant has not been identified in the general population by the Genome Aggregation Database (gnomAD). The available evidence is insufficient to determine the role of this variant in disease conclusively. Therefore, this variant is classified as a Variant of Uncertain Significance.

This study involves interpretation of variants in research participants for the purpose of population health screening. Participant phenotype was not available at the time of variant classification. Additional details can be found in publication PMID: 35346344, PMCID: PMC8962531

Labcorp Genetics (formerly Invitae), Labcorp
Classification: Uncertain significance for Tuberous sclerosis 2. Last evaluated: 2023-05-07. Review status: criteria provided, single submitter. Criteria: Invitae Variant Classification Sherloc (09022015). Collection method: clinical testing. Allele origin: germline.
Comment: Advanced modeling of protein sequence and biophysical properties (such as structural, functional, and spatial information, amino acid conservation, physicochemical variation, residue mobility, and thermodynamic stability) performed at Invitae indicates that this missense variant is not expected to disrupt TSC2 protein function. In summary, the available evidence is currently insufficient to determine the role of this variant in disease. Therefore, it has been classified as a Variant of Uncertain Significance. ClinVar contains an entry for this variant (Variation ID: 567506). This sequence change replaces glutamic acid, which is acidic and polar, with lysine, which is basic and polar, at codon 287 of the TSC2 protein (p.Glu287Lys). This variant is not present in population databases (gnomAD no frequency). This variant has not been reported in the literature in individuals affected with TSC2-related conditions.

Ambry Genetics
Classification: Uncertain significance for Hereditary cancer-predisposing syndrome. Last evaluated: 2023-02-27. Review status: criteria provided, single submitter. Criteria: Ambry Variant Classification Scheme 2023. Collection method: clinical testing. Allele origin: germline.
Comment: The p.E287K variant (also known as c.859G>A), located in coding exon 9 of the TSC2 gene, results from a G to A substitution at nucleotide position 859. The glutamic acid at codon 287 is replaced by lysine, an amino acid with similar properties. This amino acid position is conserved. In addition, the in silico prediction for this alteration is inconclusive. Since supporting evidence is limited at this time, the clinical significance of this alteration remains unclear.

NM_000548.5(TSC2):c.859G>A (p.Glu287Lys)

Gene: TSC2 (TSC complex subunit 2; plus strand). Cytogenetic location: 16p13.3.
Variant type: single nucleotide variant.
Coding change: c.859G>A on transcript NM_000548.5 (MANE Select); coding-DNA position 859, G replaced by A.
Protein change: p.Glu287Lys; replaces glutamic acid 287 with lysine.
Molecular consequence: missense variant.
Genome position (GRCh38, 1-based): chr16:2,058,757, G>A. VCF-style: chr16-2058757-G-A. GRCh37 (hg19) VCF-style: chr16-2108758-G-A.
Other names: c.859G>A, p.Glu287Lys (NM_001077183.3, NM_001114382.3, NM_001363528.2 and 3 more transcripts); c.748G>A, p.Glu250Lys (NM_001318827.2); c.712G>A, p.Glu238Lys (NM_001318829.2); c.259G>A, p.Glu87Lys (NM_001318831.2); c.892G>A, p.Glu298Lys (NM_001318832.2); short protein forms E287K, E250K, E238K, E87K, E298K.
Identifiers: ClinVar variation 567506 (VCV000567506.11), dbSNP rs397515300, ClinGen allele CA276775619.
Genomic context (GRCh38, chr16:2,058,757, plus strand): 5'-CCTGGGACAGGGCCCTGCTCACATTCCGTCTCTCTGGGGAACACTTTTAGAGCCTACATG[G>A]AGGACGCGCCCCTGCTGAGAGGAGCCGTGTTTTTTGTGGGCATGGCTCTCTGGGGAGCCC-3'
Protein context (NP_000539.2, residues 277-297): CHLMEDRAYM[Glu287Lys]DAPLLRGAVF